The following is an entry in ClinVar:

ClinVar aggregate classification (germline): Likely benign. Review status: criteria provided, multiple submitters, no conflicts (2 of 4 stars). 5 submissions from 5 submitters: Likely benign (4). 1 of the submissions does not count toward it. Last evaluated 2026-01-05.

Conditions:
HCN4-related disorder. Also called: HCN4-related condition.
Cardiovascular phenotype. Identifiers: MedGen CN230736.
Brugada syndrome 8 (BRGDA8). Identifiers: Orphanet 130, MedGen C2751083, MONDO:0013148, OMIM 613123.

Allele frequency attached by ClinVar (database versions not stated): gnomAD exomes 0.00003; TOPMed 0.00005; ExAC 0.00006; gnomAD 0.00006 and 0.00008; ESP Exome Variant Server 0.00008; 1000 Genomes Project 30x 0.00047; 1000 Genomes Project 0.00060.
gnomAD v4.1: 48 of 1,608,336 alleles (0.003%); highest among the groups gnomAD compares: African/African-American, 0.033%; no homozygotes.

Submissions (5):

Labcorp Genetics (formerly Invitae), Labcorp
Classification: Likely benign for Brugada syndrome 8. Last evaluated: 2026-01-05. Review status: criteria provided, single submitter. Criteria: Invitae Variant Classification Sherloc (09022015). Collection method: clinical testing. Allele origin: germline.

Blueprint Genetics
Classification: Likely benign. Last evaluated: 2024-08-22. Review status: criteria provided, single submitter. Criteria: ACMG Guidelines, 2015. Collection method: clinical testing. Allele origin: germline.

Ambry Genetics
Classification: Likely benign for Cardiovascular phenotype. Last evaluated: 2020-06-24. Review status: criteria provided, single submitter. Criteria: Ambry Variant Classification Scheme 2023. Collection method: clinical testing. Allele origin: germline.

Athena Diagnostics
Classification: Likely benign. Last evaluated: 2017-06-26. Review status: criteria provided, single submitter. Criteria: Athena Diagnostics Criteria. Collection method: clinical testing. Allele origin: germline.

PreventionGenetics, part of Exact Sciences
Classification: Likely benign for HCN4-related condition. Last evaluated: 2022-01-31. Review status: no assertion criteria provided. Collection method: clinical testing. Allele origin: germline. Not counted in ClinVar's aggregate classification.
Comment: This variant is classified as likely benign based on ACMG/AMP sequence variant interpretation guidelines (Richards et al. 2015 PMID: 25741868, with internal and published modifications).

NM_005477.3(HCN4):c.2652C>T (p.Pro884=)

Gene: HCN4 (hyperpolarization activated cyclic nucleotide gated potassium channel 4; minus strand). Cytogenetic location: 15q24.1.
Variant type: single nucleotide variant.
Coding change: c.2652C>T on transcript NM_005477.3 (MANE Select); coding-DNA position 2652, C replaced by T.
Protein change: p.Pro884=; no amino-acid change (proline 884 retained).
Molecular consequence: synonymous variant.
Genome position (GRCh38, 1-based): chr15:73,323,441, G>A on the plus strand (C>T on the coding strand, the complement: HCN4 is on the minus strand). VCF-style: chr15-73323441-G-A. GRCh37 (hg19) VCF-style: chr15-73615782-G-A.
Identifiers: ClinVar variation 447480 (VCV000447480.17), dbSNP rs373814254, ClinGen allele CA7648980.
Genomic context (GRCh38, chr15:73,323,441, plus strand): 5'-TATGGTGGTGGCGGCTACGCCAGCTGATGGTGTGGGAGCCGAGGGGGAGCCACAGGCCCC[G>A]GGGGGTGGGGAGGAGCTGGATGAGGGCAGGAGTGGGCTCAGTCCAGCGGGGGCAGAGAAT-3'
Protein context (NP_005468.1, residues 874-894): LLPSSSSSPP[Pro884=]GACGSPSAPT